The following is an entry in ClinVar:

NM_000388.4(CASR):c.2234C>A (p.Thr745Asn)

Gene: CASR (calcium sensing receptor; plus strand). Cytogenetic location: 3q21.1.
Variant type: single nucleotide variant.
Coding change: c.2234C>A on transcript NM_000388.4 (MANE Select); coding-DNA position 2234, C replaced by A.
Protein change: p.Thr745Asn; replaces threonine 745 with asparagine.
Molecular consequence: missense variant.
Genome position (GRCh38, 1-based): chr3:122,284,188, C>A. VCF-style: chr3-122284188-C-A. GRCh37 (hg19) VCF-style: chr3-122003035-C-A.
Other names: c.2264C>A, p.Thr755Asn (NM_001178065.2); short protein forms T745N, T755N.
Identifiers: ClinVar variation 1788160 (VCV001788160.2), dbSNP rs2473278778, ClinGen allele CA354159152.
Genomic context (GRCh38, chr3:122,284,188, plus strand): 5'-TCCTGCTGGTTTTCCTCTGCACCTTCATGCAGATTGTCATCTGTGTGATCTGGCTCTACA[C>A]CGCGCCCCCGTCAAGCTACCGCAACCAGGAGCTGGAGGATGAGATCATCTTCATCACGTG-3'
Protein context (NP_000379.3, residues 735-755): QIVICVIWLY[Thr745Asn]APPSSYRNQE

ClinVar aggregate classification (germline): Uncertain significance (1 of 4 stars; one submission).

Conditions:
Nephrolithiasis/nephrocalcinosis. Identifiers: MedGen CN580796.

Submission:

Ambry Genetics
Classification: Uncertain significance for Nephrolithiasis/nephrocalcinosis. Last evaluated: 2022-07-02. Review status: criteria provided, single submitter. Criteria: Ambry Variant Classification Scheme 2023. Collection method: clinical testing. Allele origin: germline.
Comment: The p.T745N variant (also known as c.2234C>A), located in coding exon 6 of the CASR gene, results from a C to A substitution at nucleotide position 2234. The threonine at codon 745 is replaced by asparagine, an amino acid with similar properties. This amino acid position is conserved. In addition, this alteration is predicted to be tolerated by in silico analysis. Since supporting evidence is limited at this time, the clinical significance of this alteration remains unclear.